The following is an entry in ClinVar:

ClinVar aggregate classification (germline): Uncertain significance. Review status: criteria provided, multiple submitters, no conflicts (2 of 4 stars). 2 submissions from 2 submitters: Uncertain significance (2). Last evaluated 2026-02-04.

Conditions:
Pheochromocytoma. Also called: MAX-Related Hereditary Paraganglioma-Pheochromocytoma Syndrome. Identifiers: Orphanet 29072, MedGen C0031511, MONDO:0008233, OMIM 171300, HP:0002666.
Pheochromocytoma/paraganglioma syndrome 4. Also called: CAROTID BODY TUMORS AND MULTIPLE EXTRAADRENAL PHEOCHROMOCYTOMAS; PARAGANGLIOMA, FAMILIAL MALIGNANT; PARAGANGLIOMAS, HEREDITARY EXTRAADRENAL; PHEOCHROMOCYTOMA, FAMILIAL EXTRAADRENAL; Paragangliomas 4; SDHB-Related Hereditary Paraganglioma-Pheochromocytoma Syndrome (Paragangliomas 4). Identifiers: Orphanet 29072, MedGen C1861848, MONDO:0007273, OMIM 115310.
Gastrointestinal stromal tumor. Also called: Gastrointestinal stroma tumor; Gastrointestinal stromal tumor, somatic. Identifiers: Orphanet 44890, MedGen C0238198, MeSH D046152, MONDO:0011719, OMIM 606764, HP:0100723.
Hereditary cancer-predisposing syndrome. Also called: Tumor predisposition; Hereditary Cancer Syndrome; Hereditary neoplastic syndrome; Neoplastic Syndromes, Hereditary. Identifiers: Orphanet 140162, MedGen C0027672, MeSH D009386, MONDO:0015356.

gnomAD v4.1: 1 of 1,611,432 alleles (0.000062%); no homozygotes.

Submissions (2):

Labcorp Genetics (formerly Invitae), Labcorp
Classification: Uncertain significance for Gastrointestinal stromal tumor; Pheochromocytoma/paraganglioma syndrome 4; Pheochromocytoma. Last evaluated: 2026-02-04. Review status: criteria provided, single submitter. Criteria: Invitae Variant Classification Sherloc (09022015). Collection method: clinical testing. Allele origin: germline.
Comment: This sequence change replaces proline, which is neutral and non-polar, with serine, which is neutral and polar, at codon 70 of the SDHB protein (p.Pro70Ser). This variant is not present in population databases (gnomAD no frequency). This variant has not been reported in the literature in individuals affected with SDHB-related conditions. ClinVar contains an entry for this variant (Variation ID: 1403368). Invitae Evidence Modeling of protein sequence and biophysical properties (such as structural, functional, and spatial information, amino acid conservation, physicochemical variation, residue mobility, and thermodynamic stability) indicates that this missense variant is not expected to disrupt SDHB protein function with a negative predictive value of 80%. In summary, the available evidence is currently insufficient to determine the role of this variant in disease. Therefore, it has been classified as a Variant of Uncertain Significance.

Ambry Genetics
Classification: Uncertain significance for Hereditary cancer-predisposing syndrome. Last evaluated: 2025-07-25. Review status: criteria provided, single submitter. Criteria: Ambry Variant Classification Scheme 2023. Collection method: clinical testing. Allele origin: germline.
Comment: The p.P70S variant (also known as c.208C>T), located in coding exon 3 of the SDHB gene, results from a C to T substitution at nucleotide position 208. The proline at codon 70 is replaced by serine, an amino acid with similar properties. This amino acid position is conserved. In addition, the in silico prediction for this alteration is inconclusive. Based on the available evidence, the clinical significance of this variant remains unclear.

NM_003000.3(SDHB):c.208C>T (p.Pro70Ser)

Gene: SDHB (succinate dehydrogenase complex iron sulfur subunit B; minus strand). Cytogenetic location: 1p36.13.
Variant type: single nucleotide variant.
Coding change: c.208C>T on transcript NM_003000.3 (MANE Select); coding-DNA position 208, C replaced by T.
Protein change: p.Pro70Ser; replaces proline 70 with serine.
Molecular consequence: missense variant.
Genome position (GRCh38, 1-based): chr1:17,033,138, G>A on the plus strand (C>T on the coding strand, the complement: SDHB is on the minus strand). VCF-style: chr1-17033138-G-A. GRCh37 (hg19) VCF-style: chr1-17359633-G-A.
Other names: c.208C>T (NM_003000.2); short protein forms P70S.
Identifiers: ClinVar variation 1403368 (VCV001403368.7), dbSNP rs200890320, ClinGen allele CA338276631.